The following is an entry in ClinVar:

ClinVar aggregate classification (germline): Pathogenic (1 of 4 stars; one submission).

Conditions:
Telangiectasia, hereditary hemorrhagic, type 2 (HHT2). Also called: ACVRL1-Related Hereditary Hemorrhagic Telangiectasia; Telangiectasia, hereditary hemorrhagic, type II. Identifiers: Orphanet 774, MedGen C1838163, MONDO:0010880, OMIM 600376. Disease mechanism: loss of function.

Submission:

Labcorp Genetics (formerly Invitae), Labcorp
Classification: Pathogenic for Telangiectasia, hereditary hemorrhagic, type 2. Last evaluated: 2019-11-20. Review status: criteria provided, single submitter. Criteria: Invitae Variant Classification Sherloc (09022015). Collection method: clinical testing. Allele origin: germline.
Comment: This sequence change creates a premature translational stop signal (p.Lys339*) in the ACVRL1 gene. It is expected to result in an absent or disrupted protein product. This variant is not present in population databases (ExAC no frequency). This variant has not been reported in the literature in individuals with ACVRL1-related conditions. Loss-of-function variants in ACVRL1 are known to be pathogenic (PMID: 15879500). For these reasons, this variant has been classified as Pathogenic.

Literature cited by the submitters: PubMed 15879500.

NM_000020.3(ACVRL1):c.1015A>T (p.Lys339Ter)

Gene: ACVRL1 (activin A receptor like type 1; plus strand). Cytogenetic location: 12q13.13.
Variant type: single nucleotide variant.
Coding change: c.1015A>T on transcript NM_000020.3 (MANE Select); coding-DNA position 1015, A replaced by T.
Protein change: p.Lys339Ter; replaces lysine 339 with a stop codon.
Molecular consequence: nonsense.
Genome position (GRCh38, 1-based): chr12:51,915,467, A>T. VCF-style: chr12-51915467-A-T. GRCh37 (hg19) VCF-style: chr12-52309251-A-T.
Other names: c.1015A>T, p.Lys339Ter (NM_001077401.2); short protein forms K339*.
Identifiers: ClinVar variation 858198 (VCV000858198.7), dbSNP rs1940812366, ClinGen allele CA384901655.